The following is an entry in ClinVar:

ClinVar aggregate classification (germline): Uncertain significance. Review status: criteria provided, multiple submitters, no conflicts (2 of 4 stars). 2 submissions from 2 submitters: Uncertain significance (2). Last evaluated 2025-03-21.

gnomAD v4.1: 20 of 1,446,462 alleles (0.0014%); highest among the groups gnomAD compares: Non-Finnish European, 0.0018%; no homozygotes.

Submissions (2):

Ambry Genetics
Classification: Uncertain significance. Last evaluated: 2025-03-21. Review status: criteria provided, single submitter. Criteria: Ambry Variant Classification Scheme 2023. Collection method: clinical testing. Allele origin: germline.

Labcorp Genetics (formerly Invitae), Labcorp
Classification: Uncertain significance. Last evaluated: 2024-04-18. Review status: criteria provided, single submitter. Criteria: Invitae Variant Classification Sherloc (09022015). Collection method: clinical testing. Allele origin: germline.
Comment: This sequence change replaces glycine, which is neutral and non-polar, with arginine, which is basic and polar, at codon 73 of the DMRT2 protein (p.Gly73Arg). This variant is not present in population databases (gnomAD no frequency). This variant has not been reported in the literature in individuals affected with DMRT2-related conditions. Algorithms developed to predict the effect of missense changes on protein structure and function output the following: SIFT: "Not Available"; PolyPhen-2: "Probably Damaging"; Align-GVGD: "Not Available". The arginine amino acid residue is found in multiple mammalian species, which suggests that this missense change does not adversely affect protein function. In summary, the available evidence is currently insufficient to determine the role of this variant in disease. Therefore, it has been classified as a Variant of Uncertain Significance.

NM_181872.6(DMRT2):c.217G>C (p.Gly73Arg)

Gene: DMRT2 (doublesex and mab-3 related transcription factor 2; plus strand). Cytogenetic location: 9p24.3.
Variant type: single nucleotide variant.
Coding change: c.217G>C on transcript NM_181872.6 (MANE Select); coding-DNA position 217, G replaced by C.
Protein change: p.Gly73Arg; replaces glycine 73 with arginine.
Molecular consequence: missense variant. On other transcripts: 5 prime UTR variant (1), non-coding transcript variant (1).
Genome position (GRCh38, 1-based): chr9:1,051,830, G>C. VCF-style: chr9-1051830-G-C. GRCh37 (hg19) VCF-style: chr9-1051830-G-C.
Other names: c.217G>C, p.Gly73Arg (NM_001130865.3, NM_001370531.1, NM_001370533.1 and 4 more transcripts); c.-434G>C (NM_001370532.1); c.217G>C (NM_181872.4); short protein forms G73R.
Identifiers: ClinVar variation 3712159 (VCV003712159.3).